The following is an entry in ClinVar:

NM_014363.6(SACS):c.10982C>T (p.Ala3661Val)

Gene: SACS (sacsin molecular chaperone; minus strand). Cytogenetic location: 13q12.12.
Variant type: single nucleotide variant.
Coding change: c.10982C>T on transcript NM_014363.6 (MANE Select); coding-DNA position 10982, C replaced by T.
Protein change: p.Ala3661Val; replaces alanine 3661 with valine.
Molecular consequence: missense variant.
Genome position (GRCh38, 1-based): chr13:23,332,894, G>A on the plus strand (C>T on the coding strand, the complement: SACS is on the minus strand). VCF-style: chr13-23332894-G-A. GRCh37 (hg19) VCF-style: chr13-23907033-G-A.
Other names: c.10541C>T, p.Ala3514Val (NM_001278055.2); short protein forms A3661V, A3514V.
Identifiers: ClinVar variation 212109 (VCV000212109.74), dbSNP rs36061856, ClinGen allele CA207002.

ClinVar aggregate classification (germline): Conflicting classifications of pathogenicity. Review status: criteria provided, conflicting classifications (1 of 4 stars). 13 submissions from 13 submitters: Uncertain significance (2); Benign (1); Likely benign (9). 1 of the submissions does not count toward it. Last evaluated 2026-01-30.

Conditions:
SACS-related disorder. Also called: SACS-related condition.
Hereditary spastic paraplegia. Also called: Familial spastic paraparesis. Identifiers: Orphanet 685, MedGen C0037773, MONDO:0019064. Disease mechanism: loss of function.
Spastic paraplegia. Identifiers: MedGen C0037772, HP:0001258.
Charlevoix-Saguenay spastic ataxia (SACS). Also called: AUTOSOMAL RECESSIVE SPASTIC ATAXIA OF CHARLEVOIX-SAGUENAY; SPASTIC ATAXIA 6, AUTOSOMAL RECESSIVE; Spastic ataxia of Charlevoix-Saguenay. Identifiers: Orphanet 98, MedGen C1849140, MONDO:0010041, OMIM 270550.

Allele frequency attached by ClinVar (database versions not stated): gnomAD exomes 0.00065 and 0.00099; ExAC 0.00117; 1000 Genomes Project 0.00140; 1000 Genomes Project 30x 0.00156; gnomAD 0.00189 and 0.00198; TOPMed 0.00217; ESP Exome Variant Server 0.00231.
gnomAD v4.1: 1,254 of 1,613,856 alleles (0.078%); highest among the groups gnomAD compares: African/African-American, 0.42%; 2 homozygotes.

Submissions (13):

Labcorp Genetics (formerly Invitae), Labcorp
Classification: Likely benign for Spastic paraplegia. Last evaluated: 2026-01-30. Review status: criteria provided, single submitter. Criteria: Invitae Variant Classification Sherloc (09022015). Collection method: clinical testing. Allele origin: germline.

PreventionGenetics, part of Exact Sciences
Classification: Likely benign for SACS-related condition. Last evaluated: 2025-12-15. Review status: criteria provided, single submitter. Criteria: ACMG Guidelines, 2015. Collection method: clinical testing. Allele origin: germline.
Comment: This variant is classified as likely benign based on ACMG/AMP sequence variant interpretation guidelines (Richards et al. 2015 PMID: 25741868, with internal and published modifications).

Women's Health and Genetics/Laboratory Corporation of America, LabCorp
Classification: Likely benign. Last evaluated: 2025-08-21. Review status: criteria provided, single submitter. Criteria: LabCorp Variant Classification Summary - May 2015. Collection method: clinical testing. Allele origin: germline.
Comment: Variant summary: SACS c.10982C>T (p.Ala3661Val) results in a non-conservative amino acid change in the encoded protein sequence. Algorithms developed to predict the effect of missense changes on protein structure and function are either unavailable or do not agree on the potential impact of this missense change. The variant allele was found at a frequency of 0.00099 in 249986 control chromosomes, predominantly at a frequency of 0.0049 within the African or African-American subpopulation in the gnomAD database. The observed variant frequency within African or African-American control individuals in the gnomAD database exceeds the estimated maximal expected allele frequency for a pathogenic variant in SACS causing Charlevoix-Saguenay spastic ataxia phenotype. c.10982C>T has been observed in individual(s) affected with Spastic Paraplegia (Sun_2019). These report(s) do not provide unequivocal conclusions about association of the variant with Charlevoix-Saguenay spastic ataxia. To our knowledge, no experimental evidence demonstrating an impact on protein function has been reported. The following publications have been ascertained in the context of this evaluation (PMID: 29915382, 29220673). ClinVar contains an entry for this variant (Variation ID: 212109). Based on the evidence outlined above, the variant was classified as likely benign.

CeGaT Center for Human Genetics Tuebingen
Classification: Likely benign. Last evaluated: 2025-02-01. Review status: criteria provided, single submitter. Criteria: CeGaT Center For Human Genetics Tuebingen Variant Classification Criteria Version 2. Collection method: clinical testing. Allele origin: germline. Affected: yes. Observed: 4 variant alleles.
Comment: SACS: BS1

Blueprint Genetics
Classification: Likely benign. Last evaluated: 2024-11-05. Review status: criteria provided, single submitter. Criteria: ACMG Guidelines, 2015. Collection method: clinical testing. Allele origin: germline.

Athena Diagnostics
Classification: Benign. Last evaluated: 2023-10-16. Review status: criteria provided, single submitter. Criteria: Athena Diagnostics Criteria. Collection method: clinical testing. Allele origin: unknown.

Genome-Nilou Lab
Classification: Likely benign for Charlevoix-Saguenay spastic ataxia. Last evaluated: 2021-07-22. Review status: criteria provided, single submitter. Criteria: ACMG Guidelines, 2015. Collection method: clinical testing. Allele origin: germline. Affected: no.

Pars Genome Lab
Classification: Likely benign for Charlevoix-Saguenay spastic ataxia. Last evaluated: 2021-05-18. Review status: criteria provided, single submitter. Criteria: ACMG Guidelines, 2015. Collection method: clinical testing. Allele origin: germline. Affected: no.

Genome Diagnostics Laboratory, The Hospital for Sick Children
Classification: Likely benign for Hereditary spastic paraplegia. Last evaluated: 2021-05-14. Review status: criteria provided, single submitter. Criteria: ACMG Guidelines, 2015. Collection method: clinical testing. Allele origin: germline. Affected: yes.

GeneDx
Classification: Likely benign. Last evaluated: 2018-10-18. Review status: criteria provided, single submitter. Criteria: GeneDx Variant Classification Process June 2021. Collection method: clinical testing. Allele origin: germline. Affected: yes.
Comment: This variant is associated with the following publications: (PMID: 29220673, 29915382)

Illumina Laboratory Services, Illumina
Classification: Uncertain significance for Charlevoix-Saguenay spastic ataxia. Last evaluated: 2018-01-13. Review status: criteria provided, single submitter. Criteria: ICSL Variant Classification Criteria 13 December 2019. Collection method: clinical testing. Allele origin: germline.

Genetic Services Laboratory, University of Chicago
Classification: Uncertain significance. Last evaluated: 2014-09-17. Review status: criteria provided, single submitter. Criteria: ACMG Guidelines, 2015. Collection method: clinical testing. Allele origin: germline.

Natera, Inc.
Classification: Likely benign for Charlevoix-Saguenay type spastic ataxia. Last evaluated: 2020-04-17. Review status: no assertion criteria provided. Collection method: clinical testing. Allele origin: germline. Not counted in ClinVar's aggregate classification.

Literature cited by the submitters: PubMed 29915382 (cited by Women's Health and Genetics/Laboratory Corporation of America, LabCorp and Athena Diagnostics); PubMed 29220673 (cited by Women's Health and Genetics/Laboratory Corporation of America, LabCorp and Athena Diagnostics); PubMed 35328054 (cited by Athena Diagnostics); PubMed 27974811 (cited by Athena Diagnostics).